The following is an entry in ClinVar:

NM_000702.4(ATP1A2):c.1384T>A (p.Cys462Ser)

Gene: ATP1A2 (ATPase Na+/K+ transporting subunit alpha 2; plus strand). Cytogenetic location: 1q23.2.
Variant type: single nucleotide variant.
Coding change: c.1384T>A on transcript NM_000702.4 (MANE Select); coding-DNA position 1384, T replaced by A.
Protein change: p.Cys462Ser; replaces cysteine 462 with serine.
Molecular consequence: missense variant.
Genome position (GRCh38, 1-based): chr1:160,129,323, T>A. VCF-style: chr1-160129323-T-A. GRCh37 (hg19) VCF-style: chr1-160099113-T-A.
Other names: short protein forms C462S.
Identifiers: ClinVar variation 3659262 (VCV003659262.2).
Genomic context (GRCh38, chr1:160,129,323, plus strand): 5'-CAGCGGGACACAGCTGGTGATGCCTCTGAGTCAGCTCTGCTCAAGTGCATTGAGCTCTCC[T>A]GTGGCTCAGTGAGGAAAATGAGAGACAGAAACCCCAAGGTGGCAGAGATTCCTTTCAACT-3'
Protein context (NP_000693.1, residues 452-472): SALLKCIELS[Cys462Ser]GSVRKMRDRN

ClinVar aggregate classification (germline): Uncertain significance (1 of 4 stars; one submission).

Conditions:
Familial hemiplegic migraine. Identifiers: MedGen C0338484, MONDO:0000700.

Submission:

Labcorp Genetics (formerly Invitae), Labcorp
Classification: Uncertain significance for Familial hemiplegic migraine. Last evaluated: 2024-09-23. Review status: criteria provided, single submitter. Criteria: Invitae Variant Classification Sherloc (09022015). Collection method: clinical testing. Allele origin: germline.
Comment: This sequence change replaces cysteine, which is neutral and slightly polar, with serine, which is neutral and polar, at codon 462 of the ATP1A2 protein (p.Cys462Ser). This variant is not present in population databases (gnomAD no frequency). This variant has not been reported in the literature in individuals affected with ATP1A2-related conditions. Invitae Evidence Modeling of protein sequence and biophysical properties (such as structural, functional, and spatial information, amino acid conservation, physicochemical variation, residue mobility, and thermodynamic stability) indicates that this missense variant is not expected to disrupt ATP1A2 protein function with a negative predictive value of 80%. In summary, the available evidence is currently insufficient to determine the role of this variant in disease. Therefore, it has been classified as a Variant of Uncertain Significance.